The following is an entry in ClinVar:

NM_000283.4(PDE6B):c.515C>A (p.Thr172Lys)

Gene: PDE6B (phosphodiesterase 6B; plus strand). Cytogenetic location: 4p16.3.
Variant type: single nucleotide variant.
Coding change: c.515C>A on transcript NM_000283.4 (MANE Select); coding-DNA position 515, C replaced by A.
Protein change: p.Thr172Lys; replaces threonine 172 with lysine.
Molecular consequence: missense variant.
Genome position (GRCh38, 1-based): chr4:634,723, C>A. VCF-style: chr4-634723-C-A. GRCh37 (hg19) VCF-style: chr4-628512-C-A.
Other names: c.515C>A, p.Thr172Lys (NM_001145291.2); short protein forms T172K.
Identifiers: ClinVar variation 2098632 (VCV002098632.4), dbSNP rs2474104237, ClinGen allele CA355908192.

ClinVar aggregate classification (germline): Uncertain significance (1 of 4 stars; one submission).

Submission:

Labcorp Genetics (formerly Invitae), Labcorp
Classification: Uncertain significance. Last evaluated: 2022-02-18. Review status: criteria provided, single submitter. Criteria: Invitae Variant Classification Sherloc (09022015). Collection method: clinical testing. Allele origin: germline.
Comment: This sequence change replaces threonine, which is neutral and polar, with lysine, which is basic and polar, at codon 172 of the PDE6B protein (p.Thr172Lys). This variant is not present in population databases (gnomAD no frequency). This variant has not been reported in the literature in individuals affected with PDE6B-related conditions. Algorithms developed to predict the effect of missense changes on protein structure and function are either unavailable or do not agree on the potential impact of this missense change (SIFT: "Deleterious"; PolyPhen-2: "Probably Damaging"; Align-GVGD: "Class C0"). In summary, the available evidence is currently insufficient to determine the role of this variant in disease. Therefore, it has been classified as a Variant of Uncertain Significance.